The following is an entry in ClinVar:

NC_000009.11:g.(?_137619102)_(137619253_?)del

Gene: COL5A1 (collagen type V alpha 1 chain; plus strand). Cytogenetic location: 9q34.3.
Variant type: Deletion.
Identifiers: ClinVar variation 1055974 (VCV001055974.44).

ClinVar aggregate classification (germline): Uncertain significance (1 of 4 stars; one submission).

Conditions:
Ehlers-Danlos syndrome, classic type, 1 (EDSCL1). Also called: EHLERS-DANLOS SYNDROME, GRAVIS TYPE; EHLERS-DANLOS SYNDROME, SEVERE CLASSIC TYPE; EDS I; Ehlers-Danlos Syndrome, Classic Type, COL5A1-Related; Ehlers-Danlos syndrome, type 1. Identifiers: MedGen C0268335, MONDO:0019567, OMIM 130000.

Submission:

Labcorp Genetics (formerly Invitae), Labcorp
Classification: Uncertain significance for Ehlers-Danlos syndrome, classic type, 1. Last evaluated: 2020-03-12. Review status: criteria provided, single submitter. Criteria: Invitae Variant Classification Sherloc (09022015). Collection method: clinical testing. Allele origin: germline.
Comment: In summary, the available evidence is currently insufficient to determine the role of this variant in disease. Therefore, it has been classified as a Variant of Uncertain Significance. Experimental studies and prediction algorithms are not available or were not evaluated, and the functional significance of this variant is currently unknown. This variant has not been reported in the literature in individuals with COL5A1-related conditions. This variant is an in-frame deletion of the genomic region encompassing exon 5 of the COL5A1 gene. It preserves the integrity of the reading frame.